The following is an entry in ClinVar:

ClinVar aggregate classification (germline): Pathogenic/Likely pathogenic. Review status: criteria provided, multiple submitters, no conflicts (2 of 4 stars). 2 submissions from 2 submitters: Pathogenic (1); Likely pathogenic (1). Last evaluated 2023-05-02.

Conditions:
Intellectual developmental disorder, X-linked 99. Also called: Intellectual disability, X-linked 99. Identifiers: Orphanet 777, MedGen C3806746, MONDO:0010487, OMIM 300919.
Intellectual developmental disorder, X-linked 99, syndromic, female-restricted. Also called: Intellectual disability, X-linked 99, syndromic, female-restricted. Identifiers: MedGen C4225416, MONDO:0010502, OMIM 300968.

Submissions (2):

Broad Center for Mendelian Genomics, Broad Institute of MIT and Harvard
Classification: Pathogenic for Intellectual developmental disorder, X-linked 99, syndromic, female-restricted. Last evaluated: 2023-05-02. Review status: criteria provided, single submitter. Criteria: ACMG Guidelines, 2015. Collection method: curation. Allele origin: germline. Inheritance: X-linked inheritance.
Comment: The c.323-1G>A variant in USP9X has not been previously reported in individuals with female-restricted X-linked syndromic intellectual developmental disorder 99. This variant was absent from large population studies. A different nucleotide change that also results in a splice acceptor variant at the same site, c.323-1G>C (ClinVar Variation ID: 976276), has been previously reported pathogenic, and the variant being assessed here, c.323-1G>A, is predicted by SpliceAI to have a similar effect on splicing. This variant is located in the 3' splice region. Computational tools predict a splicing impact, though this information is not predictive enough to determine pathogenicity. Heterozygous loss of function of the USP9X gene is an established disease mechanism in female-restricted X-linked syndromic intellectual developmental disorder 99. In summary, this variant meets criteria to be classified as pathogenic for female-restricted X-linked syndromic intellectual developmental disorder 99. ACMG/AMP Criteria applied: PVS1, PS1_Supporting, PM2_Supporting (Richards 2015).

Victorian Clinical Genetics Services, Murdoch Childrens Research Institute
Classification: Likely pathogenic for Intellectual developmental disorder, X-linked 99. Last evaluated: 2022-02-02. Review status: criteria provided, single submitter. Criteria: ACMG Guidelines, 2015. Collection method: clinical testing. Allele origin: germline.
Comment: Based on the classification scheme VCGS_Germline_v1.3.4, this variant is classified as Likely pathogenic. Following criteria are met: 0102 - Loss of function is a known mechanism of disease in this gene and is associated with X-linked intellectual disability 99 (MIM#300919) and X-linked intellectual disability 99, syndromic, female restricted (MIM#300968). (I) 0108 - This gene is associated with both X-linked recessive and X-linked dominant disease. Partial loss of function missense variants are thought to result in X-linked recessive disease, affecting predominantly males. Variants resulting in a premature termination codon or a more complete loss of function appear to be restricted to females in an X-linked dominant pattern of inheritance (PMID: 31443933, PMID: 26833328). (I) 0211 - Canonical splice site variant without proven consequence on splicing (no functional evidence available). (SP) 0251 - This variant is heterozygous. (I) 0301 - Variant is absent from gnomAD (both v2 and v3). (SP) 0505 - Abnormal splicing is predicted by in silico tools and the nucleotide is highly conserved. (SP) 0704 - Another canonical splice site variant comparable to the one identified in this case has limited previous evidence for pathogenicity. c.323-1G>C has been reported likely pathogenic in an individual affected with X-linked intellectual disability 99, syndromic, female restricted (ClinVar). (SP) 0807 - This variant has no previous evidence of pathogenicity. (I) 0905 - No published segregation evidence has been identified for this variant. (I) 1007 - No published functional evidence has been identified for this variant. (I) 1208 - Inheritance information for this variant is not currently available in this individual. (I) Legend: (SP) - Supporting pathogenic, (I) - Information, (SB) - Supporting benign

Literature cited by the submitters: PubMed 26833328 (cited by Victorian Clinical Genetics Services, Murdoch Childrens Research Institute); PubMed 31443933 (cited by Victorian Clinical Genetics Services, Murdoch Childrens Research Institute).

NM_001039591.3(USP9X):c.323-1G>A

Gene: USP9X (ubiquitin specific peptidase 9 X-linked; plus strand). Cytogenetic location: Xp11.4.
Variant type: single nucleotide variant.
Coding change: c.323-1G>A on transcript NM_001039591.3 (MANE Select); the canonical splice acceptor site of the intron before coding-DNA position 323, G replaced by A.
Molecular consequence: splice acceptor variant.
Genome position (GRCh38, 1-based): chrX:41,134,724, G>A. VCF-style: chrX-41134724-G-A. GRCh37 (hg19) VCF-style: chrX-40993977-G-A.
Other names: NM_001039590.3:c.323-1G>A; c.323-1G>A (NM_001410748.1, NM_001410749.1, NM_001039590.3 and 1 more transcripts).
Identifiers: ClinVar variation 2500869 (VCV002500869.2), dbSNP rs5918118, ClinGen allele CA412761707.